The following is an entry in ClinVar:

NM_001171.6(ABCC6):c.4042-5G>A

Gene: ABCC6 (ATP binding cassette subfamily C member 6; minus strand). Cytogenetic location: 16p13.11.
Variant type: single nucleotide variant.
Coding change: c.4042-5G>A on transcript NM_001171.6 (MANE Select); 5 bases into the intron before coding-DNA position 4042, G replaced by A.
Molecular consequence: intron variant.
Genome position (GRCh38, 1-based): chr16:16,154,799, C>T on the plus strand (G>A on the coding strand, the complement: ABCC6 is on the minus strand). VCF-style: chr16-16154799-C-T. GRCh37 (hg19) VCF-style: chr16-16248656-C-T.
Other names: c.3700-5G>A (NM_001351800.1).
Identifiers: ClinVar variation 681560 (VCV000681560.8), dbSNP rs578175155, ClinGen allele CA7925324.

ClinVar aggregate classification (germline): Likely benign. Review status: criteria provided, multiple submitters, no conflicts (2 of 4 stars). 3 submissions from 3 submitters: Likely benign (3). Last evaluated 2025-03-05.

Allele frequency attached by ClinVar (database versions not stated): gnomAD exomes 0.00003; gnomAD 0.00004 and 0.00005; TOPMed 0.00005; ExAC 0.00007; 1000 Genomes Project 30x 0.00031; 1000 Genomes Project 0.00040.
gnomAD v4.1: 28 of 1,608,170 alleles (0.0017%); highest among the groups gnomAD compares: East Asian, 0.022%; no homozygotes.

Submissions (3):

Labcorp Genetics (formerly Invitae), Labcorp
Classification: Likely benign. Last evaluated: 2025-03-05. Review status: criteria provided, single submitter. Criteria: Invitae Variant Classification Sherloc (09022015). Collection method: clinical testing. Allele origin: germline.

Blueprint Genetics
Classification: Likely benign. Last evaluated: 2024-07-12. Review status: criteria provided, single submitter. Criteria: ACMG Guidelines, 2015. Collection method: clinical testing. Allele origin: germline.

GeneDx
Classification: Likely benign. Last evaluated: 2018-04-17. Review status: criteria provided, single submitter. Criteria: GeneDx Variant Classification (06012015). Collection method: clinical testing. Allele origin: germline. Affected: yes.
Comment: This variant is considered likely benign or benign based on one or more of the following criteria: it is a conservative change, it occurs at a poorly conserved position in the protein, it is predicted to be benign by multiple in silico algorithms, and/or has population frequency not consistent with disease.